The following is an entry in ClinVar:

NM_000237.3(LPL):c.3G>C (p.Met1Ile)

Gene: LPL (lipoprotein lipase; plus strand). Cytogenetic location: 8p21.3.
Variant type: single nucleotide variant.
Coding change: c.3G>C on transcript NM_000237.3 (MANE Select); coding-DNA position 3, G replaced by C.
Protein change: p.Met1Ile; changes the start codon (methionine 1).
Molecular consequence: missense variant, initiator codon variant.
Genome position (GRCh38, 1-based): chr8:19,939,443, G>C. VCF-style: chr8-19939443-G-C. GRCh37 (hg19) VCF-style: chr8-19796954-G-C.
Other names: c.3G>C (NM_000237.2); short protein forms M1I.
Identifiers: ClinVar variation 3595455 (VCV003595455.2).
Genomic context (GRCh38, chr8:19,939,443, plus strand): 5'-CAGCCGGCTCATCAGTCGGTCCGCGCCTTGCAGCTCCTCCAGAGGGACGCGCCCCGAGAT[G>C]GAGAGCAAAGCCCTGCTCGTGCTGACTCTGGCCGTGTGGCTCCAGAGTCTGACCGCCTCC-3'
Protein context (NP_000228.1, residues 1-11): [Met1Ile]ESKALLVLTL

ClinVar aggregate classification (germline): Pathogenic. Review status: criteria provided, multiple submitters, no conflicts (2 of 4 stars). 2 submissions from 2 submitters: Pathogenic (2). Last evaluated 2024-11-14.

Conditions:
Hyperlipoproteinemia, type I. Also called: HYPERLIPOPROTEINEMIA, TYPE IA; LPL DEFICIENCY; Lipase D deficiency; Familial Lipoprotein Lipase Deficiency; Familial hyperlipo-proteinemia type 1; Hyperlipemia essential familial. Identifiers: Orphanet 309015, Orphanet 444490, MedGen C0023817, MONDO:0009387, OMIM 238600. Disease mechanism: loss of function.
Hyperlipidemia, familial combined, LPL related (FCHL3). Also called: Hyperapobetalipoproteinemia. Identifiers: MedGen C0020474, MONDO:0007759, OMIM 144250, HP:0008158.

Submissions (2):

Natera, Inc.
Classification: Pathogenic for Lipoprotein lipase deficiency. Last evaluated: 2024-11-14. Review status: criteria provided, single submitter. Criteria: Natera Variant Classification Schema (03/2026). Collection method: clinical testing. Allele origin: germline.
Comment: The c.3G>C variant in LPL is predicted to result in start loss due to disruption of the initiator methionine. This variant is expected to result in nonsense mediated decay, truncation, or a dysfunctional protein product. This variant is rare in the general population with a frequency below the threshold expected for the associated phenotype(s). This variant has been observed in one or more individuals affected with the associated recessive disease, as either homozygous or compound heterozygous with a second variant (PMID: 37858495, 35923617, 16431216). Functional studies show that this variant may disrupt protein function (PMID: 16431216). Given the available evidence, this variant is classified as Pathogenic.

Fulgent Genetics
Classification: Pathogenic for Hyperlipidemia, familial combined, LPL related; Hyperlipoproteinemia, type I. Last evaluated: 2024-06-01. Review status: criteria provided, single submitter. Criteria: ACMG Guidelines, 2015. Collection method: clinical testing. Allele origin: germline.

Literature cited by the submitters: PubMed 37858495 (cited by Natera, Inc.); PubMed 35923617 (cited by Natera, Inc.); PubMed 16431216 (cited by Natera, Inc.).